The following is an entry in ClinVar:

ClinVar aggregate classification (germline): Benign/Likely benign. Review status: criteria provided, multiple submitters, no conflicts (2 of 4 stars). 5 submissions from 5 submitters: Benign (2); Likely benign (1). 2 of the submissions do not count toward it. Last evaluated 2024-11-26.

Submissions (5):

Blueprint Genetics
Classification: Likely benign. Last evaluated: 2024-11-26. Review status: criteria provided, single submitter. Criteria: ACMG Guidelines, 2015. Collection method: clinical testing. Allele origin: germline.

Mayo Clinic Laboratories, Mayo Clinic
Classification: Benign. Last evaluated: 2023-01-25. Review status: criteria provided, single submitter. Criteria: ACMG Guidelines, 2015. Collection method: clinical testing. Allele origin: germline. Observed: 88 variant alleles.
Comment: BA1

GeneDx
Classification: Benign. Last evaluated: 2021-05-04. Review status: criteria provided, single submitter. Criteria: GeneDx Variant Classification Process June 2021. Collection method: clinical testing. Allele origin: germline. Affected: yes.

Clinical Genetics, Academic Medical Center
Classification: Benign. Review status: no assertion criteria provided. Collection method: clinical testing. Allele origin: germline. Affected: yes. Study: VKGL Data-share Consensus. Not counted in ClinVar's aggregate classification.

Laboratory of Diagnostic Genome Analysis, Leiden University Medical Center (LUMC)
Classification: Likely benign. Review status: no assertion criteria provided. Collection method: clinical testing. Allele origin: germline. Affected: yes. Study: VKGL Data-share Consensus. Not counted in ClinVar's aggregate classification.

NM_053274.3(GLMN):c.40-6dup

Gene: GLMN (glomulin, FKBP associated protein; minus strand). Cytogenetic location: 1p22.1.
Variant type: Duplication.
Coding change: c.40-6dup on transcript NM_053274.3 (MANE Select); 6 bases into the intron before coding-DNA position 40, one base duplicated (T; older notation c.40-6dupT).
Molecular consequence: intron variant.
Genome position (GRCh38, 1-based): chr1:92,297,535, A duplicated on the plus strand (T on the coding strand, the reverse complement: GLMN is on the minus strand); the first of 14 consecutive A bases (chr1:92,297,535-92,297,548); duplicating any one gives the same sequence. VCF-style (leftmost placement, unchanged base first): chr1-92297534-C-CA. GRCh37 (hg19) VCF-style: chr1-92763091-C-CA.
Other names: p.?; c.40-6dup (NM_001319683.2).
Identifiers: ClinVar variation 298150 (VCV000298150.11), dbSNP rs372630078, ClinGen allele CA950690.